The following is an entry in ClinVar:

ClinVar aggregate classification (germline): Uncertain significance (1 of 4 stars; one submission).

Submission:

Labcorp Genetics (formerly Invitae), Labcorp
Classification: Uncertain significance. Last evaluated: 2022-08-22. Review status: criteria provided, single submitter. Criteria: Invitae Variant Classification Sherloc (09022015). Collection method: clinical testing. Allele origin: germline.
Comment: This variant has not been reported in the literature in individuals affected with LRP2-related conditions. This variant is not present in population databases (gnomAD no frequency). This sequence change replaces arginine, which is basic and polar, with leucine, which is neutral and non-polar, at codon 3736 of the LRP2 protein (p.Arg3736Leu). Advanced modeling of protein sequence and biophysical properties (such as structural, functional, and spatial information, amino acid conservation, physicochemical variation, residue mobility, and thermodynamic stability) performed at Invitae indicates that this missense variant is expected to disrupt LRP2 protein function. In summary, the available evidence is currently insufficient to determine the role of this variant in disease. Therefore, it has been classified as a Variant of Uncertain Significance. Algorithms developed to predict the effect of sequence changes on RNA splicing suggest that this variant may disrupt the consensus splice site.

NM_004525.3(LRP2):c.11207G>T (p.Arg3736Leu)

Gene: LRP2 (LDL receptor related protein 2; minus strand). Cytogenetic location: 2q31.1.
Variant type: single nucleotide variant.
Coding change: c.11207G>T on transcript NM_004525.3 (MANE Select); coding-DNA position 11207, G replaced by T.
Protein change: p.Arg3736Leu; replaces arginine 3736 with leucine.
Molecular consequence: missense variant.
Genome position (GRCh38, 1-based): chr2:169,172,071, C>A on the plus strand (G>T on the coding strand, the complement: LRP2 is on the minus strand). VCF-style: chr2-169172071-C-A. GRCh37 (hg19) VCF-style: chr2-170028581-C-A.
Other names: short protein forms R3736L.
Identifiers: ClinVar variation 2123570 (VCV002123570.4), dbSNP rs752156045, ClinGen allele CA349142853.
Genomic context (GRCh38, chr2:169,172,071, plus strand): 5'-TCACCACAGTTTTCCTCATCTGAGTTATCTCCACAGTCATTTTGCCCATCACACTGCCAA[C>A]GAAGAGGGATGCAGTGGTGATTTTTACAGCGGAAATCCCCCACAGGATGGCATGTCCTCT-3'
Protein context (NP_004516.2, residues 3726-3746): RCKNHHCIPL[Arg3736Leu]WQCDGQNDCG